The following is an entry in ClinVar:

ClinVar aggregate classification (germline): Uncertain significance (1 of 4 stars; one submission).

Conditions:
Ataxia-telangiectasia syndrome (AT). Also called: LOUIS-BAR SYNDROME; Ataxia-telangiectasia, complementation group E; Ataxia-telangiectasia, complementation group D; AT, COMPLEMENTATION GROUP C; Ataxia telangiectasia (A-T); Cerebello-oculocutaneous telangiectasia. Identifiers: Orphanet 100, MedGen C0004135, MONDO:0008840, OMIM 208900.

Submission:

Labcorp Genetics (formerly Invitae), Labcorp
Classification: Uncertain significance for Ataxia-telangiectasia syndrome. Last evaluated: 2023-02-13. Review status: criteria provided, single submitter. Criteria: Invitae Variant Classification Sherloc (09022015). Collection method: clinical testing. Allele origin: germline.
Comment: In summary, the available evidence is currently insufficient to determine the role of this variant in disease. Therefore, it has been classified as a Variant of Uncertain Significance. Algorithms developed to predict the effect of missense changes on protein structure and function are either unavailable or do not agree on the potential impact of this missense change (SIFT: "Tolerated"; PolyPhen-2: "Probably Damaging"; Align-GVGD: "Class C15"). ClinVar contains an entry for this variant (Variation ID: 641120). This variant has not been reported in the literature in individuals affected with ATM-related conditions. This variant is not present in population databases (gnomAD no frequency). This sequence change replaces valine, which is neutral and non-polar, with aspartic acid, which is acidic and polar, at codon 1446 of the ATM protein (p.Val1446Asp).

NM_000051.4(ATM):c.4337T>A (p.Val1446Asp)

Gene: ATM (ATM serine/threonine kinase; plus strand). Cytogenetic location: 11q22.3.
Variant type: single nucleotide variant.
Coding change: c.4337T>A on transcript NM_000051.4 (MANE Select); coding-DNA position 4337, T replaced by A.
Protein change: p.Val1446Asp; replaces valine 1446 with aspartic acid.
Molecular consequence: missense variant.
Genome position (GRCh38, 1-based): chr11:108,289,702, T>A. VCF-style: chr11-108289702-T-A. GRCh37 (hg19) VCF-style: chr11-108160429-T-A.
Other names: c.4337T>A, p.Val1446Asp (NM_001351834.2); short protein forms V1446D.
Identifiers: ClinVar variation 641120 (VCV000641120.8), dbSNP rs1591663249, ClinGen allele CA382531940.